The following is an entry in ClinVar:

NM_002447.4(MST1R):c.2730G>A (p.Arg910=)

Gene: MST1R (macrophage stimulating 1 receptor; minus strand). Cytogenetic location: 3p21.31.
Variant type: single nucleotide variant.
Coding change: c.2730G>A on transcript NM_002447.4 (MANE Select); coding-DNA position 2730, G replaced by A.
Protein change: p.Arg910=; no amino-acid change (arginine 910 retained).
Molecular consequence: synonymous variant. On other transcripts: non-coding transcript variant (1), intron variant (1).
Genome position (GRCh38, 1-based): chr3:49,896,027, C>T on the plus strand (G>A on the coding strand, the complement: MST1R is on the minus strand). VCF-style: chr3-49896027-C-T. GRCh37 (hg19) VCF-style: chr3-49933460-C-T.
Other names: c.2412G>A, p.Arg804= (NM_001318913.2); c.2650-147G>A (NM_001244937.3).
Identifiers: ClinVar variation 3043026 (VCV003043026.2), dbSNP rs540237920, ClinGen allele CA2408825.

ClinVar aggregate classification (germline): Benign (0 of 4 stars; one submission).

Conditions:
MST1R-related disorder. Also called: MST1R-related condition.

Allele frequency attached by ClinVar (database versions not stated): TOPMed 0.00004; gnomAD 0.00016; gnomAD exomes 0.00030; ExAC 0.00058; 1000 Genomes Project 30x 0.00094; 1000 Genomes Project 0.00100.

Submission:

PreventionGenetics, part of Exact Sciences
Classification: Benign for MST1R-related condition. Last evaluated: 2019-07-01. Review status: no assertion criteria provided. Collection method: clinical testing. Allele origin: germline.
Comment: This variant is classified as benign based on ACMG/AMP sequence variant interpretation guidelines (Richards et al. 2015 PMID: 25741868, with internal and published modifications).